The following is an entry in ClinVar:

NM_024598.4(USB1):c.419C>A (p.Ala140Asp)

Gene: USB1 (U6 snRNA biogenesis phosphodiesterase 1; plus strand). Cytogenetic location: 16q21.
Variant type: single nucleotide variant.
Coding change: c.419C>A on transcript NM_024598.4 (MANE Select); coding-DNA position 419, C replaced by A.
Protein change: p.Ala140Asp; replaces alanine 140 with aspartic acid.
Molecular consequence: missense variant.
Genome position (GRCh38, 1-based): chr16:58,010,082, C>A. VCF-style: chr16-58010082-C-A. GRCh37 (hg19) VCF-style: chr16-58043986-C-A.
Other names: c.419C>A, p.Ala140Asp (NM_001195302.2, NM_001204911.2, NM_001330569.2); c.266C>A, p.Ala89Asp (NM_001330568.2); short protein forms A140D, A89D.
Identifiers: ClinVar variation 3813874 (VCV003813874.1).

ClinVar aggregate classification (germline): Uncertain significance (1 of 4 stars; one submission).

Conditions:
Inborn genetic diseases. Identifiers: MedGen C0950123, MeSH D030342.

gnomAD v4.1: 1 of 1,614,032 alleles (0.000062%); highest among the groups gnomAD compares: African/African-American, 0.0013%; no homozygotes.

Submission:

Ambry Genetics
Classification: Uncertain significance for Inborn genetic diseases. Last evaluated: 2025-01-06. Review status: criteria provided, single submitter. Criteria: Ambry Variant Classification Scheme 2023. Collection method: clinical testing. Allele origin: germline.
Comment: The p.A140D variant (also known as c.419C>A), located in coding exon 3 of the USB1 gene, results from a C to A substitution at nucleotide position 419. The alanine at codon 140 is replaced by aspartic acid, an amino acid with dissimilar properties. This amino acid position is conserved. In addition, this alteration is predicted to be tolerated by in silico analysis. Based on the available evidence, the clinical significance of this variant remains unclear.